The following is an entry in ClinVar:

NM_178170.3(NEK8):c.134G>A (p.Arg45Gln)

Gene: NEK8 (NIMA related kinase 8; plus strand). Cytogenetic location: 17q11.2.
Variant type: single nucleotide variant.
Coding change: c.134G>A on transcript NM_178170.3 (MANE Select); coding-DNA position 134, G replaced by A.
Protein change: p.Arg45Gln; replaces arginine 45 with glutamine.
Molecular consequence: missense variant.
Genome position (GRCh38, 1-based): chr17:28,734,069, G>A. VCF-style: chr17-28734069-G-A. GRCh37 (hg19) VCF-style: chr17-27061087-G-A.
Other names: short protein forms R45Q.
Identifiers: ClinVar variation 3663375 (VCV003663375.2).

ClinVar aggregate classification (germline): Uncertain significance (1 of 4 stars; one submission).

Conditions:
Nephronophthisis 9 (NPHP9). Identifiers: Orphanet 655, MedGen C3151188, MONDO:0013444, OMIM 613824.

Submission:

Labcorp Genetics (formerly Invitae), Labcorp
Classification: Uncertain significance for Nephronophthisis 9. Last evaluated: 2024-06-20. Review status: criteria provided, single submitter. Criteria: Invitae Variant Classification Sherloc (09022015). Collection method: clinical testing. Allele origin: germline.
Comment: This sequence change replaces arginine, which is basic and polar, with glutamine, which is neutral and polar, at codon 45 of the NEK8 protein (p.Arg45Gln). This variant is present in population databases (rs750671320, gnomAD 0.003%). This variant has not been reported in the literature in individuals affected with NEK8-related conditions. An algorithm developed to predict the effect of missense changes on protein structure and function (PolyPhen-2) suggests that this variant is likely to be disruptive. In summary, the available evidence is currently insufficient to determine the role of this variant in disease. Therefore, it has been classified as a Variant of Uncertain Significance.